The following is an entry in ClinVar:

ClinVar aggregate classification (germline): Uncertain significance (1 of 4 stars; one submission).

Submission:

GeneDx
Classification: Uncertain significance. Last evaluated: 2025-04-01. Review status: criteria provided, single submitter. Criteria: GeneDx Variant Classification Process June 2021. Collection method: clinical testing. Allele origin: germline. Affected: yes.
Comment: Not observed at significant frequency in large population cohorts (gnomAD); In silico analysis supports that this missense variant has a deleterious effect on protein structure/function; Has not been previously published as pathogenic or benign to our knowledge

NM_001080421.3(UNC13A):c.4668C>A (p.Asp1556Glu)

Gene: UNC13A (unc-13 homolog A; minus strand). Cytogenetic location: 19p13.11.
Variant type: single nucleotide variant.
Coding change: c.4668C>A on transcript NM_001080421.3 (MANE Select); coding-DNA position 4668, C replaced by A.
Protein change: p.Asp1556Glu; replaces aspartic acid 1556 with glutamic acid.
Molecular consequence: missense variant.
Genome position (GRCh38, 1-based): chr19:17,610,083, G>T on the plus strand (C>A on the coding strand, the complement: UNC13A is on the minus strand). VCF-style: chr19-17610083-G-T. GRCh37 (hg19) VCF-style: chr19-17720892-G-T.
Other names: c.4656C>A, p.Asp1552Glu (NM_001387021.1); c.4653C>A, p.Asp1551Glu (NM_001387022.1); c.4587C>A, p.Asp1529Glu (NM_001387023.1); short protein forms D1529E, D1551E, D1552E, D1556E.
Identifiers: ClinVar variation 4278910 (VCV004278910.1).